The following is an entry in ClinVar:

NM_006019.4(TCIRG1):c.167G>A (p.Arg56Gln)

Gene: TCIRG1 (T cell immune regulator 1, ATPase H+ transporting V0 subunit a3; plus strand). Cytogenetic location: 11q13.2.
Variant type: single nucleotide variant.
Coding change: c.167G>A on transcript NM_006019.4 (MANE Select); coding-DNA position 167, G replaced by A.
Protein change: p.Arg56Gln; replaces arginine 56 with glutamine.
Molecular consequence: missense variant. On other transcripts: 5 prime UTR variant (1).
Genome position (GRCh38, 1-based): chr11:68,041,802, G>A. VCF-style: chr11-68041802-G-A. GRCh37 (hg19) VCF-style: chr11-67809269-G-A.
Other names: c.-1083G>A (NM_001351059.2); short protein forms R56Q.
Identifiers: ClinVar variation 1426031 (VCV001426031.7), dbSNP rs368777603, ClinGen allele CA381574668.

ClinVar aggregate classification (germline): Uncertain significance (1 of 4 stars; one submission).

Allele frequency attached by ClinVar (database versions not stated): gnomAD exomes below 0.00001; TOPMed 0.00003.
gnomAD v4.1: 27 of 1,609,726 alleles (0.0017%); highest among the groups gnomAD compares: African/African-American, 0.0053%; no homozygotes.

Submission:

Labcorp Genetics (formerly Invitae), Labcorp
Classification: Uncertain significance. Last evaluated: 2025-08-07. Review status: criteria provided, single submitter. Criteria: Invitae Variant Classification Sherloc (09022015). Collection method: clinical testing. Allele origin: germline.
Comment: This sequence change replaces arginine, which is basic and polar, with glutamine, which is neutral and polar, at codon 56 of the TCIRG1 protein (p.Arg56Gln). The frequency data for this variant in the population databases is considered unreliable, as metrics indicate poor data quality at this position in the gnomAD database. This variant has not been reported in the literature in individuals affected with TCIRG1-related conditions. ClinVar contains an entry for this variant (Variation ID: 1426031). Invitae Evidence Modeling of protein sequence and biophysical properties (such as structural, functional, and spatial information, amino acid conservation, physicochemical variation, residue mobility, and thermodynamic stability) indicates that this missense variant is not expected to disrupt TCIRG1 protein function with a negative predictive value of 80%. In summary, the available evidence is currently insufficient to determine the role of this variant in disease. Therefore, it has been classified as a Variant of Uncertain Significance.